The following is an entry in ClinVar:

ClinVar aggregate classification (germline): Benign. Review status: criteria provided, multiple submitters, no conflicts (2 of 4 stars). 12 submissions from 12 submitters: Benign (10). 2 of the submissions do not count toward it. Last evaluated 2026-02-04.

Conditions:
Atrial fibrillation, familial, 7 (ATFB7). Identifiers: MedGen C2677106, MONDO:0012828, OMIM 612240.

Allele frequency attached by ClinVar (database versions not stated): 1000 Genomes Project 30x 0.98048; 1000 Genomes Project 0.98103; TOPMed 0.98256; gnomAD 0.98412; ESP Exome Variant Server 0.98470.

Submissions (12):

Labcorp Genetics (formerly Invitae), Labcorp
Classification: Benign for Atrial fibrillation, familial, 7. Last evaluated: 2026-02-04. Review status: criteria provided, single submitter. Criteria: Invitae Variant Classification Sherloc (09022015). Collection method: clinical testing. Allele origin: germline.

Blueprint Genetics
Classification: Benign. Last evaluated: 2024-11-27. Review status: criteria provided, single submitter. Criteria: ACMG Guidelines, 2015. Collection method: clinical testing. Allele origin: germline.

Unidad de Genómica Garrahan, Hospital de Pediatría Garrahan
Classification: Benign. Last evaluated: 2024-01-24. Review status: criteria provided, single submitter. Criteria: ACMG Guidelines, 2015. Collection method: clinical testing. Allele origin: germline. Affected: no. Observed: 95 variant alleles.
Comment: This variant is classified as Benign based on local population frequency. This variant was detected in 100% of patients studied by a panel of primary immunodeficiencies. Number of patients: 95. Only high quality variants are reported.

Women's Health and Genetics/Laboratory Corporation of America, LabCorp
Classification: Benign. Last evaluated: 2023-04-04. Review status: criteria provided, single submitter. Criteria: LabCorp Variant Classification Summary - May 2015. Collection method: clinical testing. Allele origin: germline.

Genome-Nilou Lab
Classification: Benign for Atrial fibrillation, familial, 7. Last evaluated: 2021-08-19. Review status: criteria provided, single submitter. Criteria: ACMG Guidelines, 2015. Collection method: clinical testing. Allele origin: germline. Affected: no.

Illumina Laboratory Services, Illumina
Classification: Benign for Atrial fibrillation, familial, 7. Last evaluated: 2018-01-12. Review status: criteria provided, single submitter. Criteria: ICSL Variant Classification Criteria 13 December 2019. Collection method: clinical testing. Allele origin: germline.
Comment: This variant was observed in the ICSL laboratory as part of a predisposition screen in an ostensibly healthy population. It had not been previously curated by ICSL or reported in the Human Gene Mutation Database (HGMD: prior to June 1st, 2018), and was therefore a candidate for classification through an automated scoring system. Utilizing variant allele frequency, disease prevalence and penetrance estimates, and inheritance mode, an automated score was calculated to assess if this variant is too frequent to cause the disease. Based on the score and internal cut-off values, a variant classified as benign is not then subjected to further curation. The score for this variant resulted in a classification of benign for this disease.

Laboratory for Molecular Medicine, Mass General Brigham Personalized Medicine
Classification: Benign. Last evaluated: 2016-03-28. Review status: criteria provided, single submitter. Criteria: LMM Criteria. Collection method: clinical testing. Allele origin: germline.
Comment: Variant identified in a genome or exome case(s) and assessed due to predicted null impact of the variant or pathogenic assertions in the literature or databases. Disclaimer: This variant has not undergone full assessment. The following are preliminary notes: MAF

GeneDx
Classification: Benign. Last evaluated: 2015-03-03. Review status: criteria provided, single submitter. Criteria: GeneDx Variant Classification Process June 2021. Collection method: clinical testing. Allele origin: germline. Affected: yes.

Breakthrough Genomics
Classification: Benign. Review status: criteria provided, single submitter. Criteria: ACMG Guidelines, 2015. Collection method: not provided. Allele origin: germline. Inheritance: Autosomal dominant inheritance. Affected: yes.

PreventionGenetics, part of Exact Sciences
Classification: Benign. Review status: criteria provided, single submitter. Criteria: ACMG Guidelines, 2015. Collection method: clinical testing. Allele origin: germline.

Clinical Genetics, Academic Medical Center
Classification: Benign. Review status: no assertion criteria provided. Collection method: clinical testing. Allele origin: germline. Affected: yes. Study: VKGL Data-share Consensus. Not counted in ClinVar's aggregate classification.

Diagnostic Laboratory, Department of Genetics, University Medical Center Groningen
Classification: Benign for Atrial fibrillation, familial, 7. Review status: no assertion criteria provided. Collection method: clinical testing. Allele origin: germline. Affected: yes. Study: VKGL Data-share Consensus. Not counted in ClinVar's aggregate classification.

NM_002234.4(KCNA5):c.1149T>C (p.Gly383=)

Gene: KCNA5 (potassium voltage-gated channel subfamily A member 5; plus strand). Cytogenetic location: 12p13.32.
Variant type: single nucleotide variant.
Coding change: c.1149T>C on transcript NM_002234.4 (MANE Select); coding-DNA position 1149, T replaced by C.
Protein change: p.Gly383=; no amino-acid change (glycine 383 retained).
Molecular consequence: synonymous variant.
Genome position (GRCh38, 1-based): chr12:5,045,296, T>C. VCF-style: chr12-5045296-T-C. GRCh37 (hg19) VCF-style: chr12-5154462-T-C.
Identifiers: ClinVar variation 258594 (VCV000258594.27), dbSNP rs2359641, ClinGen allele CA6399809.